The following is an entry in ClinVar:

ClinVar aggregate classification (germline): Uncertain significance. Review status: criteria provided, multiple submitters, no conflicts (2 of 4 stars). 3 submissions from 3 submitters: Uncertain significance (3). Last evaluated 2024-05-21.

Conditions:
Inborn genetic diseases. Identifiers: MedGen C0950123, MeSH D030342.
Retinitis pigmentosa 59 (RP59). Identifiers: Orphanet 791, MedGen C3151227, MONDO:0013468, OMIM 613861.

Allele frequency attached by ClinVar (database versions not stated): gnomAD exomes 0.00002 and 0.00004; ExAC 0.00003; gnomAD 0.00003; TOPMed 0.00003; ESP Exome Variant Server 0.00008.
gnomAD v4.1: 40 of 1,613,970 alleles (0.0025%); highest among the groups gnomAD compares: South Asian, 0.0055%; 1 homozygote.

Submissions (3):

Labcorp Genetics (formerly Invitae), Labcorp
Classification: Uncertain significance for Retinitis pigmentosa 59. Last evaluated: 2024-05-21. Review status: criteria provided, single submitter. Criteria: Invitae Variant Classification Sherloc (09022015). Collection method: clinical testing. Allele origin: germline.
Comment: This sequence change replaces valine, which is neutral and non-polar, with isoleucine, which is neutral and non-polar, at codon 230 of the DHDDS protein (p.Val230Ile). This variant is present in population databases (rs143075758, gnomAD 0.01%), including at least one homozygous and/or hemizygous individual. This variant has not been reported in the literature in individuals affected with DHDDS-related conditions. ClinVar contains an entry for this variant (Variation ID: 1429923). Advanced modeling of protein sequence and biophysical properties (such as structural, functional, and spatial information, amino acid conservation, physicochemical variation, residue mobility, and thermodynamic stability) performed at Invitae indicates that this missense variant is not expected to disrupt DHDDS protein function with a negative predictive value of 80%. In summary, the available evidence is currently insufficient to determine the role of this variant in disease. Therefore, it has been classified as a Variant of Uncertain Significance.

Ambry Genetics
Classification: Uncertain significance for Inborn genetic diseases. Last evaluated: 2023-10-27. Review status: criteria provided, single submitter. Criteria: Ambry Variant Classification Scheme 2023. Collection method: clinical testing. Allele origin: germline.

Revvity Omics, Revvity
Classification: Uncertain significance. Last evaluated: 2021-04-20. Review status: criteria provided, single submitter. Criteria: ACMG Guidelines, 2015. Collection method: clinical testing. Allele origin: germline.

NM_205861.3(DHDDS):c.688G>A (p.Val230Ile)

Gene: DHDDS (dehydrodolichyl diphosphate synthase subunit; plus strand). Cytogenetic location: 1p36.11.
Variant type: single nucleotide variant.
Coding change: c.688G>A on transcript NM_205861.3 (MANE Select); coding-DNA position 688, G replaced by A.
Protein change: p.Val230Ile; replaces valine 230 with isoleucine.
Molecular consequence: missense variant.
Genome position (GRCh38, 1-based): chr1:26,460,067, G>A. VCF-style: chr1-26460067-G-A. GRCh37 (hg19) VCF-style: chr1-26786558-G-A.
Other names: c.688G>A (NM_024887.3); c.586G>A, p.Val196Ile (NM_001243564.2); c.571G>A, p.Val191Ile (NM_001243565.2); c.409G>A, p.Val137Ile (NM_001319959.2); c.688G>A, p.Val230Ile (NM_024887.4); short protein forms V137I, V230I, V191I, V196I.
Identifiers: ClinVar variation 1429923 (VCV001429923.7), dbSNP rs143075758, ClinGen allele CA705433.
Genomic context (GRCh38, chr1:26,460,067, plus strand): 5'-AAATCATACTCTCCTCCCTACCTTTCCCAGACCTCTCACTCCTGCCTGGTGTTCCAACCC[G>A]TTCTGTGGCCAGAGTATACATTTTGGAACCTCTTCGAGGCCATCCTGCAGTTCCAGATGA-3'
Protein context (NP_995583.1, residues 220-240): TSHSCLVFQP[Val230Ile]LWPEYTFWNL